The following is an entry in ClinVar:

NM_000548.5(TSC2):c.336+10A>G

Gene: TSC2 (TSC complex subunit 2; plus strand). Cytogenetic location: 16p13.3.
Variant type: single nucleotide variant.
Coding change: c.336+10A>G on transcript NM_000548.5 (MANE Select); 10 bases into the intron after coding-DNA position 336, A replaced by G.
Molecular consequence: intron variant.
Genome position (GRCh38, 1-based): chr16:2,053,462, A>G. VCF-style: chr16-2053462-A-G. GRCh37 (hg19) VCF-style: chr16-2103463-A-G.
Other names: c.336+10A>G (NM_000548.4, NM_001114382.3, NM_021055.3 and 4 more transcripts); c.226-834A>G (NM_001318827.2); c.-1-2734A>G (NM_001318831.2); c.189+10A>G (NM_001318829.2); c.369+10A>G (NM_001318832.2).
Identifiers: ClinVar variation 133424 (VCV000133424.14), dbSNP rs587778005, ClinGen allele CA018957.

ClinVar aggregate classification (germline): Benign/Likely benign. Review status: criteria provided, multiple submitters, no conflicts (2 of 4 stars). 5 submissions from 5 submitters: Benign (1); Likely benign (3). 1 of the submissions does not count toward it. Last evaluated 2026-08-17.

Conditions:
Isolated focal cortical dysplasia type II (FCORD2). Also called: Focal cortical dysplasia type II; CORTICAL DYSPLASIA OF TAYLOR. Identifiers: Orphanet 268994, MedGen C1846385, MONDO:0011818, OMIM 607341, HP:0032051.
Tuberous sclerosis 2 (TSC2). Identifiers: Orphanet 805, MedGen C1860707, MONDO:0013199, OMIM 613254.
Lymphangiomyomatosis (LAM). Also called: Lymphangioleiomyomatosis; Lymphangioleiomyomatosis, somatic. Identifiers: Orphanet 538, MedGen C0751674, MONDO:0011705, OMIM 606690.
TSC2-related disorder. Also called: TSC2-Related Disorders; TSC2-related condition.

Allele frequency attached by ClinVar (database versions not stated): ExAC below 0.00001; gnomAD 0.00001; gnomAD exomes 0.00001 and 0.00005; TOPMed 0.00001.
gnomAD v4.1: 67 of 1,558,768 alleles (0.0043%); highest among the groups gnomAD compares: Non-Finnish European, 0.0055%; no homozygotes.

Submissions (5):

PreventionGenetics, part of Exact Sciences
Classification: Likely benign for TSC2-related condition. Last evaluated: 2026-08-17. Review status: criteria provided, single submitter. Criteria: ACMG Guidelines, 2015. Collection method: clinical testing. Allele origin: germline.
Comment: This variant is classified as likely benign based on ACMG/AMP sequence variant interpretation guidelines (Richards et al. 2015 PMID: 25741868, with internal and published modifications).

Labcorp Genetics (formerly Invitae), Labcorp
Classification: Benign for Tuberous sclerosis 2. Last evaluated: 2026-01-06. Review status: criteria provided, single submitter. Criteria: Invitae Variant Classification Sherloc (09022015). Collection method: clinical testing. Allele origin: germline.

Myriad Genetics, Inc.
Classification: Likely benign for Tuberous sclerosis 2. Last evaluated: 2025-05-02. Review status: criteria provided, single submitter. Criteria: Myriad Autosomal Dominant, Autosomal Recessive and X-Linked Classification Criteria (2023). Collection method: clinical testing. Allele origin: unknown.
Comment: This variant is considered likely benign. This variant is intronic and is not expected to impact mRNA splicing.

Fulgent Genetics
Classification: Likely benign for Lymphangiomyomatosis; Isolated focal cortical dysplasia type II; Tuberous sclerosis 2. Last evaluated: 2022-03-25. Review status: criteria provided, single submitter. Criteria: ACMG Guidelines, 2015. Collection method: clinical testing. Allele origin: unknown.

ITMI
No classification provided. Condition: AllHighlyPenetrant. Last evaluated: 2013-09-19. Review status: no classification provided. Collection method: reference population. Allele origin: germline. Not counted in ClinVar's aggregate classification.
Comment: Please see associated publication for description of ethnicities

Literature cited by the submitters: PubMed 24728327 (cited by ITMI).